The following is an entry in ClinVar:

NM_001958.5(EEF1A2):c.289G>C (p.Asp97His)

Gene: EEF1A2 (eukaryotic translation elongation factor 1 alpha 2; minus strand). Cytogenetic location: 20q13.33.
Variant type: single nucleotide variant.
Coding change: c.289G>C on transcript NM_001958.5 (MANE Select); coding-DNA position 289, G replaced by C.
Protein change: p.Asp97His; replaces aspartic acid 97 with histidine.
Molecular consequence: missense variant.
Genome position (GRCh38, 1-based): chr20:63,495,891, C>G on the plus strand (G>C on the coding strand, the complement: EEF1A2 is on the minus strand). VCF-style: chr20-63495891-C-G. GRCh37 (hg19) VCF-style: chr20-62127244-C-G.
Other names: short protein forms D97H.
Identifiers: ClinVar variation 3637294 (VCV003637294.2).
Genomic context (GRCh38, chr20:63,495,891, plus strand): 5'-GCCCCGCCTGCTGTGCCCTGCTCACCTGGGATGTACCCGTGATCATGTTCTTGATGAAGT[C>G]GCGGTGGCCGGGGGCATCGATGATGGTGATGTAGTACTTGGTGGTCTCGAACTTCCAGAG-3'
Protein context (NP_001949.1, residues 87-107): ITIIDAPGHR[Asp97His]FIKNMITGTS

ClinVar aggregate classification (germline): Uncertain significance (1 of 4 stars; one submission).

Conditions:
Developmental and epileptic encephalopathy, 33 (DEE33). Also called: Epileptic encephalopathy, early infantile, 33. Identifiers: Orphanet 442835, MedGen C4225337, MONDO:0014625, OMIM 616409.

Submission:

Labcorp Genetics (formerly Invitae), Labcorp
Classification: Uncertain significance for Developmental and epileptic encephalopathy, 33. Last evaluated: 2024-01-28. Review status: criteria provided, single submitter. Criteria: Invitae Variant Classification Sherloc (09022015). Collection method: clinical testing. Allele origin: germline.
Comment: This sequence change replaces aspartic acid, which is acidic and polar, with histidine, which is basic and polar, at codon 97 of the EEF1A2 protein (p.Asp97His). This variant is not present in population databases (gnomAD no frequency). This variant has not been reported in the literature in individuals affected with EEF1A2-related conditions. Advanced modeling of protein sequence and biophysical properties (such as structural, functional, and spatial information, amino acid conservation, physicochemical variation, residue mobility, and thermodynamic stability) has been performed at Invitae for this missense variant, however the output from this modeling did not meet the statistical confidence thresholds required to predict the impact of this variant on EEF1A2 protein function. This variant disrupts the p.Asp97 amino acid residue in EEF1A2. Other variant(s) that disrupt this residue have been determined to be pathogenic (PMID: 34489640; Invitae). This suggests that this residue is clinically significant, and that variants that disrupt this residue are likely to be disease-causing. In summary, the available evidence is currently insufficient to determine the role of this variant in disease. Therefore, it has been classified as a Variant of Uncertain Significance.

Literature cited by the submitters: PubMed 34489640.